The following is an entry in ClinVar:

ClinVar aggregate classification (germline): Uncertain significance (1 of 4 stars; one submission).

Conditions:
Autosomal recessive limb-girdle muscular dystrophy type 2J (LGMDR10). Also called: MUSCULAR DYSTROPHY, LIMB-GIRDLE, AUTOSOMAL RECESSIVE 10; Limb-girdle muscular dystrophy, type 2J. Identifiers: Orphanet 140922, MedGen C1837342, MONDO:0012127, OMIM 608807.
Dilated cardiomyopathy 1G (CMD1G). Identifiers: Orphanet 154, MedGen C1858763, MONDO:0011400, OMIM 604145.

gnomAD v4.1: 3 of 1,613,860 alleles (0.00019%); highest among the groups gnomAD compares: East Asian, 0.0022%; no homozygotes.

Submission:

Labcorp Genetics (formerly Invitae), Labcorp
Classification: Uncertain significance for Dilated cardiomyopathy 1G; Autosomal recessive limb-girdle muscular dystrophy type 2J. Last evaluated: 2025-06-12. Review status: criteria provided, single submitter. Criteria: Invitae Variant Classification Sherloc (09022015). Collection method: clinical testing. Allele origin: germline.
Comment: This sequence change replaces glutamic acid, which is acidic and polar, with lysine, which is basic and polar, at codon 33814 of the TTN protein (p.Glu33814Lys). This variant is present in population databases (rs760254702, gnomAD 0.006%). This variant has not been reported in the literature in individuals affected with TTN-related conditions. Experimental studies and prediction algorithms are not available or were not evaluated, and the functional significance of this variant is currently unknown. This variant is located in the M band of TTN (PMID: 25589632). Non-truncating variants in this region may be relevant for neuromuscular disorders, but have not been definitively shown to cause cardiomyopathy (PMID: 23975875). In summary, the available evidence is currently insufficient to determine the role of this variant in disease. Therefore, it has been classified as a Variant of Uncertain Significance.

Literature cited by the submitters: PubMed 25589632; PubMed 23975875.

NM_001267550.2(TTN):c.101440G>A (p.Glu33814Lys)

Genes: TTN (titin; minus strand), TTN-AS1 (TTN antisense RNA 1; plus strand). Cytogenetic location: 2q31.2.
Variant type: single nucleotide variant.
Coding change: c.101440G>A on transcript NM_001267550.2 (MANE Select); coding-DNA position 101440, G replaced by A.
Protein change: p.Glu33814Lys; replaces glutamic acid 33814 with lysine.
Molecular consequence: missense variant.
Genome position (GRCh38, 1-based): chr2:178,535,175, C>T on the plus strand (G>A on the coding strand, the complement: TTN is on the minus strand). VCF-style: chr2-178535175-C-T. GRCh37 (hg19) VCF-style: chr2-179399902-C-T.
Other names: c.96517G>A, p.Glu32173Lys (NM_001256850.1); c.74245G>A, p.Glu24749Lys (NM_003319.4); c.93736G>A, p.Glu31246Lys (NM_133378.4); c.74620G>A, p.Glu24874Lys (NM_133432.3); c.74821G>A, p.Glu24941Lys (NM_133437.4); short protein forms E24749K, E32173K, E24874K, E24941K, E33814K, E31246K.
Identifiers: ClinVar variation 4794062 (VCV004794062.1).